The following is an entry in ClinVar:

ClinVar aggregate classification (germline): Uncertain significance. Review status: criteria provided, multiple submitters, no conflicts (2 of 4 stars). 4 submissions from 4 submitters: Uncertain significance (3). 1 of the submissions does not count toward it. Last evaluated 2023-09-21.

Conditions:
Premature ovarian failure 6 (POF6). Identifiers: MedGen C2676742, MONDO:0012861, OMIM 612310.
Genetic non-acquired premature ovarian failure. Identifiers: Orphanet 485382, MedGen C5925042.

Allele frequency attached by ClinVar (database versions not stated): gnomAD exomes 0.00012.
gnomAD v4.1: 15 of 1,414,886 alleles (0.0011%); highest among the groups gnomAD compares: East Asian, 0.045%; no homozygotes.

Submissions (4):

Department of Pathology and Laboratory Medicine, Sinai Health System
Classification: Uncertain significance for Premature ovarian failure 6. Last evaluated: 2023-09-21. Review status: criteria provided, single submitter. Criteria: ACMG Guidelines, 2015. Collection method: research. Allele origin: germline.

Revvity Omics, Revvity
Classification: Uncertain significance for Premature ovarian failure 6. Last evaluated: 2022-09-14. Review status: criteria provided, single submitter. Criteria: ACMG Guidelines, 2015. Collection method: clinical testing. Allele origin: germline.

Juno Genomics, Hangzhou Juno Genomics, Inc
Classification: Uncertain significance for Premature ovarian failure 6. Review status: criteria provided, single submitter. Criteria: ACMG Guidelines, 2015. Collection method: clinical testing. Allele origin: germline. Affected: yes.
Comment: Absent from controls (or at extremely low frequency if recessive) in Genome Aggregation Database, Exome Sequencing Project, 1000 Genomes Project, or Exome Aggregation Consortium.;The prevalence of the variant in affected individuals is significantly increased compared to the prevalence in controls.;Patient's phenotype or family history is highly specific for a disease with a single genetic etiology.

Center for Reproductive Medicine, Shandong Provincial Hospital Affiliated to Shandong University
Classification: Likely pathogenic for Genetic non-acquired premature ovarian failure. Last evaluated: 2019-10-01. Review status: no assertion criteria provided. Collection method: research. Allele origin: unknown. Affected: yes. Observed: 2 variant alleles. Not counted in ClinVar's aggregate classification.

NM_001004311.3(FIGLA):c.11C>A (p.Ala4Glu)

Gene: FIGLA (folliculogenesis specific bHLH transcription factor; minus strand). Cytogenetic location: 2p13.3.
Variant type: single nucleotide variant.
Coding change: c.11C>A on transcript NM_001004311.3 (MANE Select); coding-DNA position 11, C replaced by A.
Protein change: p.Ala4Glu; replaces alanine 4 with glutamic acid.
Molecular consequence: missense variant.
Genome position (GRCh38, 1-based): chr2:70,790,628, G>T on the plus strand (C>A on the coding strand, the complement: FIGLA is on the minus strand). VCF-style: chr2-70790628-G-T. GRCh37 (hg19) VCF-style: chr2-71017760-G-T.
Other names: short protein forms A4E.
Identifiers: ClinVar variation 1256046 (VCV001256046.8), dbSNP rs71647803, ClinGen allele CA49647099.
Genomic context (GRCh38, chr2:70,790,628, plus strand): 5'-TCGGCTTGCGGGGTGCCCAGGAGCGCGGGCGGCGCGGCGCGGGGATCTAGGACGCCGGGC[G>T]CGGGGTCCATGGCAGGGCCGAGGCCGCTGAGGCCGGGCTTTCACCTGCGCACCCGGGGCC-3'
Protein context (NP_001004311.2, residues 1-14): MDP[Ala4Glu]PGVLDPRAAP